The following is an entry in ClinVar:

NM_004655.4(AXIN2):c.143C>T (p.Pro48Leu)

Gene: AXIN2 (axin 2; minus strand). Cytogenetic location: 17q24.1.
Variant type: single nucleotide variant.
Coding change: c.143C>T on transcript NM_004655.4 (MANE Select); coding-DNA position 143, C replaced by T.
Protein change: p.Pro48Leu; replaces proline 48 with leucine.
Molecular consequence: missense variant.
Genome position (GRCh38, 1-based): chr17:65,558,478, G>A on the plus strand (C>T on the coding strand, the complement: AXIN2 is on the minus strand). VCF-style: chr17-65558478-G-A. GRCh37 (hg19) VCF-style: chr17-63554596-G-A.
Other names: c.143C>T (LRG_296t1); c.143C>T, p.Pro48Leu (NM_001363813.1); short protein forms P48L.
Identifiers: ClinVar variation 533147 (VCV000533147.17), dbSNP rs1555583718, ClinGen allele CA400682045.

ClinVar aggregate classification (germline): Uncertain significance. Review status: criteria provided, multiple submitters, no conflicts (2 of 4 stars). 4 submissions from 4 submitters: Uncertain significance (4). Last evaluated 2026-03-23.

Conditions:
Hereditary cancer-predisposing syndrome. Also called: Hereditary neoplastic syndrome; Hereditary Cancer Syndrome; Neoplastic Syndromes, Hereditary; Tumor predisposition. Identifiers: Orphanet 140162, MedGen C0027672, MeSH D009386, MONDO:0015356.
Oligodontia-cancer predisposition syndrome. Also called: TOOTH AGENESIS-COLORECTAL CANCER SYNDROME. Identifiers: Orphanet 300576, MedGen C1837750, MONDO:0012075, OMIM 608615. Disease mechanism: loss of function.

Allele frequency attached by ClinVar (database versions not stated): gnomAD exomes below 0.00001; TOPMed below 0.00001; gnomAD 0.00001.

Submissions (4):

Women's Health and Genetics/Laboratory Corporation of America, LabCorp
Classification: Uncertain significance. Last evaluated: 2026-03-23. Review status: criteria provided, single submitter. Criteria: LabCorp Variant Classification Summary - May 2015. Collection method: clinical testing. Allele origin: germline.
Comment: Variant summary: AXIN2 c.143C>T (p.Pro48Leu) results in a non-conservative amino acid change in the encoded protein sequence. Algorithms developed to predict the effect of missense changes on protein structure and function are either unavailable or do not agree on the potential impact of this missense change. The variant was absent in 248094 control chromosomes. The available data on variant occurrences in the general population are insufficient to allow any conclusion about variant significance. To our knowledge, no occurrence of c.143C>T in individuals affected with AXIN2-related conditions and no experimental evidence demonstrating its impact on protein function have been reported. ClinVar contains an entry for this variant (Variation ID: 533147). Based on the evidence outlined above, the variant was classified as uncertain significance.

Labcorp Genetics (formerly Invitae), Labcorp
Classification: Uncertain significance for Oligodontia-cancer predisposition syndrome. Last evaluated: 2026-01-18. Review status: criteria provided, single submitter. Criteria: Invitae Variant Classification Sherloc (09022015). Collection method: clinical testing. Allele origin: germline.
Comment: This sequence change replaces proline, which is neutral and non-polar, with leucine, which is neutral and non-polar, at codon 48 of the AXIN2 protein (p.Pro48Leu). This variant is not present in population databases (gnomAD no frequency). This variant has not been reported in the literature in individuals affected with AXIN2-related conditions. ClinVar contains an entry for this variant (Variation ID: 533147). Invitae Evidence Modeling of protein sequence and biophysical properties (such as structural, functional, and spatial information, amino acid conservation, physicochemical variation, residue mobility, and thermodynamic stability) indicates that this missense variant is not expected to disrupt AXIN2 protein function with a negative predictive value of 80%. Algorithms developed to predict the effect of sequence changes on RNA splicing suggest that this variant may create or strengthen a splice site. In summary, the available evidence is currently insufficient to determine the role of this variant in disease. Therefore, it has been classified as a Variant of Uncertain Significance.

Ambry Genetics
Classification: Uncertain significance for Hereditary cancer-predisposing syndrome. Last evaluated: 2024-12-05. Review status: criteria provided, single submitter. Criteria: Ambry Variant Classification Scheme 2023. Collection method: clinical testing. Allele origin: germline.
Comment: The p.P48L variant (also known as c.143C>T), located in coding exon 1 of the AXIN2 gene, results from a C to T substitution at nucleotide position 143. The proline at codon 48 is replaced by leucine, an amino acid with similar properties. This amino acid position is conserved. In addition, this alteration is predicted to be tolerated by in silico analysis. Since supporting evidence is limited at this time, the clinical significance of this alteration remains unclear.

GeneDx
Classification: Uncertain significance. Last evaluated: 2019-12-10. Review status: criteria provided, single submitter. Criteria: GeneDx Variant Classification Process June 2021. Collection method: clinical testing. Allele origin: germline. Affected: yes.
Comment: Not observed in large population cohorts (Lek 2016); In silico analysis, which includes protein predictors and evolutionary conservation, supports that this variant does not alter protein structure/function; Has not been previously published as pathogenic or benign to our knowledge; This variant is associated with the following publications: (PMID: 18284543)